The following is an entry in ClinVar:

ClinVar aggregate classification (germline): Benign/Likely benign. Review status: criteria provided, multiple submitters, no conflicts (2 of 4 stars). 8 submissions from 8 submitters: Benign (4); Likely benign (2). 2 of the submissions do not count toward it. Last evaluated 2026-02-02.

Conditions:
COL6A3-related disorder. Also called: COL6A3-related condition; COL6A3-related disorders.
Collagen 6-related myopathy. Identifiers: MedGen CN117976, MONDO:0100225.
Bethlem myopathy 1A. Also called: Bethlem myopathy 1; Bethlem Muscular Dystrophy; MYOPATHY, BENIGN CONGENITAL, WITH CONTRACTURES. Identifiers: Orphanet 610, MedGen CN029274, MONDO:0024530, OMIM 158810.

Allele frequency attached by ClinVar (database versions not stated): ExAC 0.00423; gnomAD 0.01378 and 0.01282; 1000 Genomes Project 30x 0.01234; TOPMed 0.01437; 1000 Genomes Project 0.01218; ESP Exome Variant Server 0.01469.
gnomAD v4.1: 4,150 of 1,613,880 alleles (0.26%); highest among the groups gnomAD compares: African/African-American, 4.5%; 81 homozygotes.

Submissions (8):

Labcorp Genetics (formerly Invitae), Labcorp
Classification: Benign for Bethlem myopathy 1A. Last evaluated: 2026-02-02. Review status: criteria provided, single submitter. Criteria: Invitae Variant Classification Sherloc (09022015). Collection method: clinical testing. Allele origin: germline.

Mayo Clinic Laboratories, Mayo Clinic
Classification: Benign. Last evaluated: 2021-06-10. Review status: criteria provided, single submitter. Criteria: ACMG Guidelines, 2015. Collection method: clinical testing. Allele origin: germline. Observed: 5 variant alleles.

Illumina Laboratory Services, Illumina
Classification: Likely benign for Collagen VI-related myopathy. Last evaluated: 2017-04-27. Review status: criteria provided, single submitter. Criteria: ICSL Variant Classification Criteria 13 December 2019. Collection method: clinical testing. Allele origin: germline.
Comment: This variant was observed as part of a predisposition screen in an ostensibly healthy population. A literature search was performed for the gene, cDNA change, and amino acid change (where applicable). No publications were found based on this search. Allele frequency data from public databases allowed determination this variant is unlikely to cause disease. Therefore, this variant is classified as likely benign.

GeneDx
Classification: Benign. Last evaluated: 2016-03-24. Review status: criteria provided, single submitter. Criteria: GeneDx Variant Classification (06012015). Collection method: clinical testing. Allele origin: germline. Affected: yes.
Comment: This variant is considered likely benign or benign based on one or more of the following criteria: it is a conservative change, it occurs at a poorly conserved position in the protein, it is predicted to be benign by multiple in silico algorithms, and/or has population frequency not consistent with disease.

Eurofins Ntd Llc (ga)
Classification: Benign. Last evaluated: 2012-11-05. Review status: criteria provided, single submitter. Criteria: EGL Classification Definitions 2015. Collection method: clinical testing. Allele origin: germline. Observed: 1 variant allele, 1 heterozygote.

Breakthrough Genomics
Classification: Likely benign. Review status: criteria provided, single submitter. Criteria: ACMG Guidelines, 2015. Collection method: not provided. Allele origin: germline. Inheritance: Autosomal recessive inheritance. Affected: yes.

PreventionGenetics, part of Exact Sciences
Classification: Benign for COL6A3-related condition. Last evaluated: 2021-09-08. Review status: no assertion criteria provided. Collection method: clinical testing. Allele origin: germline. Not counted in ClinVar's aggregate classification.
Comment: This variant is classified as benign based on ACMG/AMP sequence variant interpretation guidelines (Richards et al. 2015 PMID: 25741868, with internal and published modifications).

Genetic Services Laboratory, University of Chicago
Classification: Likely benign for AllHighlyPenetrant. Review status: no assertion criteria provided. Collection method: clinical testing. Allele origin: germline. Not counted in ClinVar's aggregate classification.
Comment: Likely benign based on allele frequency in 1000 Genomes Project or ESP global frequency and its presence in a patient with a rare or unrelated disease phenotype. NOT Sanger confirmed.

NM_004369.4(COL6A3):c.3420G>A (p.Thr1140=)

Gene: COL6A3 (collagen type VI alpha 3 chain; minus strand). Cytogenetic location: 2q37.3.
Variant type: single nucleotide variant.
Coding change: c.3420G>A on transcript NM_004369.4 (MANE Select); coding-DNA position 3420, G replaced by A.
Protein change: p.Thr1140=; no amino-acid change (threonine 1140 retained).
Molecular consequence: synonymous variant.
Genome position (GRCh38, 1-based): chr2:237,374,671, C>T on the plus strand (G>A on the coding strand, the complement: COL6A3 is on the minus strand). VCF-style: chr2-237374671-C-T. GRCh37 (hg19) VCF-style: chr2-238283314-C-T.
Other names: p.Thr1140=; c.2199G>A, p.Thr733= (NM_057164.5); c.2802G>A, p.Thr934= (NM_057165.5, NM_057167.4); c.1599G>A, p.Thr533= (NM_057166.5).
Identifiers: ClinVar variation 94925 (VCV000094925.28), dbSNP rs35489467, ClinGen allele CA147950.